The following is an entry in ClinVar:

NM_153638.4(PANK2):c.58T>C (p.Ser20Pro)

Genes: PANK2 (pantothenate kinase 2; plus strand), PANK2-AS1 (PANK2 antisense RNA 1; minus strand). Cytogenetic location: 20p13.
Variant type: single nucleotide variant.
Coding change: c.58T>C on transcript NM_153638.4; coding-DNA position 58, T replaced by C.
Protein change: p.Ser20Pro; replaces serine 20 with proline.
Molecular consequence: missense variant. On other transcripts: intron variant (1).
Genome position (GRCh38, 1-based): chr20:3,889,158, T>C. VCF-style: chr20-3889158-T-C. GRCh37 (hg19) VCF-style: chr20-3869805-T-C.
Other names: c.58T>C, p.Ser20Pro (NM_001324192.1); c.-246+254T>C (NM_024960.6); short protein forms S20P.
Identifiers: ClinVar variation 2141110 (VCV002141110.1), dbSNP rs573337848, ClinGen allele CA9750469.

ClinVar aggregate classification (germline): Uncertain significance (1 of 4 stars; one submission).

Conditions:
Pigmentary pallidal degeneration (NBIA1). Also called: Neurodegeneration with brain iron accumulation 1; HARP SYNDROME; PKAN NEUROAXONAL DYSTROPHY, JUVENILE-ONSET; Pantothenate Kinase-Associated Neurodegeneration; Neuroaxonal dystrophy, late infantile; Hallervorden-Spatz disease. Identifiers: Orphanet 157850, MedGen C0018523, MONDO:0009319, OMIM 234200.

Allele frequency attached by ClinVar (database versions not stated): gnomAD exomes 0.00001.
gnomAD v4.1: 15 of 1,595,646 alleles (0.00094%); highest among the groups gnomAD compares: Non-Finnish European, 0.00094%; no homozygotes.

Submission:

Labcorp Genetics (formerly Invitae), Labcorp
Classification: Uncertain significance for Pigmentary pallidal degeneration. Last evaluated: 2022-05-08. Review status: criteria provided, single submitter. Criteria: Invitae Variant Classification Sherloc (09022015). Collection method: clinical testing. Allele origin: germline.
Comment: This sequence change replaces serine, which is neutral and polar, with proline, which is neutral and non-polar, at codon 20 of the PANK2 protein (p.Ser20Pro). This variant is not present in population databases (gnomAD no frequency). This variant has not been reported in the literature in individuals affected with PANK2-related conditions. Algorithms developed to predict the effect of missense changes on protein structure and function output the following: SIFT: "Deleterious"; PolyPhen-2: "Benign"; Align-GVGD: "Class C0". The proline amino acid residue is found in multiple mammalian species, which suggests that this missense change does not adversely affect protein function. In summary, the available evidence is currently insufficient to determine the role of this variant in disease. Therefore, it has been classified as a Variant of Uncertain Significance.